The following is an entry in ClinVar:

NM_024537.4(CARS2):c.428A>G (p.Tyr143Cys)

Gene: CARS2 (cysteinyl-tRNA synthetase 2, mitochondrial; minus strand). Cytogenetic location: 13q34.
Variant type: single nucleotide variant.
Coding change: c.428A>G on transcript NM_024537.4 (MANE Select); coding-DNA position 428, A replaced by G.
Protein change: p.Tyr143Cys; replaces tyrosine 143 with cysteine.
Molecular consequence: missense variant. On other transcripts: 5 prime UTR variant (1), non-coding transcript variant (2).
Genome position (GRCh38, 1-based): chr13:110,687,984, T>C on the plus strand (A>G on the coding strand, the complement: CARS2 is on the minus strand). VCF-style: chr13-110687984-T-C. GRCh37 (hg19) VCF-style: chr13-111340331-T-C.
Other names: c.-572A>G (NM_001352252.2); c.428A>G, p.Tyr143Cys (NM_001352253.3); short protein forms Y143C.
Identifiers: ClinVar variation 2416455 (VCV002416455.6), dbSNP rs765250919, ClinGen allele CA7052258.

ClinVar aggregate classification (germline): Uncertain significance (1 of 4 stars; one submission).

Conditions:
Combined oxidative phosphorylation defect type 27. Also called: Combined oxidative phosphorylation deficiency 27. Identifiers: Orphanet 477774, MedGen C5567608, MONDO:0014728, OMIM 616672.

Allele frequency attached by ClinVar (database versions not stated): ExAC 0.00001; gnomAD 0.00001; TOPMed 0.00002.
gnomAD v4.1: 5 of 1,612,286 alleles (0.00031%); highest among the groups gnomAD compares: East Asian, 0.011%; no homozygotes.

Submission:

Labcorp Genetics (formerly Invitae), Labcorp
Classification: Uncertain significance for Combined oxidative phosphorylation defect type 27. Last evaluated: 2022-05-13. Review status: criteria provided, single submitter. Criteria: Invitae Variant Classification Sherloc (09022015). Collection method: clinical testing. Allele origin: germline.
Comment: This sequence change replaces tyrosine, which is neutral and polar, with cysteine, which is neutral and slightly polar, at codon 143 of the CARS2 protein (p.Tyr143Cys). In summary, the available evidence is currently insufficient to determine the role of this variant in disease. Therefore, it has been classified as a Variant of Uncertain Significance. Algorithms developed to predict the effect of missense changes on protein structure and function are either unavailable or do not agree on the potential impact of this missense change (SIFT: "Deleterious"; PolyPhen-2: "Probably Damaging"; Align-GVGD: "Class C15"). This variant has not been reported in the literature in individuals affected with CARS2-related conditions. This variant is present in population databases (rs765250919, gnomAD 0.02%).